The following is an entry in ClinVar:

ClinVar aggregate classification (germline): Uncertain significance. Review status: criteria provided, multiple submitters, no conflicts (2 of 4 stars). 2 submissions from 2 submitters: Uncertain significance (2). Last evaluated 2025-08-04.

Conditions:
Primary hyperoxaluria, type I (HP1). Also called: OXALOSIS I; Primary hyperoxaluria type 1; GLYCOLIC ACIDURIA; HEPATIC AGT DEFICIENCY. Identifiers: Orphanet 416, Orphanet 93598, MedGen C0268164, MONDO:0009823, OMIM 259900. Disease mechanism: loss of function.

Allele frequency attached by ClinVar (database versions not stated): TOPMed below 0.00001; ExAC 0.00002; gnomAD 0.00002; ESP Exome Variant Server 0.00008.

Submissions (2):

Labcorp Genetics (formerly Invitae), Labcorp
Classification: Uncertain significance. Last evaluated: 2025-08-04. Review status: criteria provided, single submitter. Criteria: Invitae Variant Classification Sherloc (09022015). Collection method: clinical testing. Allele origin: germline.
Comment: This sequence change replaces tyrosine, which is neutral and polar, with cysteine, which is neutral and slightly polar, at codon 270 of the AGXT protein (p.Tyr270Cys). This variant is present in population databases (rs376364034, gnomAD 0.003%). This variant has not been reported in the literature in individuals affected with AGXT-related conditions. ClinVar contains an entry for this variant (Variation ID: 2664134). Invitae Evidence Modeling of protein sequence and biophysical properties (such as structural, functional, and spatial information, amino acid conservation, physicochemical variation, residue mobility, and thermodynamic stability) indicates that this missense variant is not expected to disrupt AGXT protein function with a negative predictive value of 80%. In summary, the available evidence is currently insufficient to determine the role of this variant in disease. Therefore, it has been classified as a Variant of Uncertain Significance.

Rare Kidney Stone Consortium and the Mayo Clinic Hyperoxaluria Center, Mayo Clinic
Classification: Uncertain significance for Primary hyperoxaluria, type I. Last evaluated: 2023-10-27. Review status: criteria provided, single submitter. Criteria: ACMG Guidelines, 2015. Collection method: curation. Allele origin: germline.
Comment: ACMG:PM2 PP3

Literature cited by the submitters: PubMed 25644115 (cited by Rare Kidney Stone Consortium and the Mayo Clinic Hyperoxaluria Center, Mayo Clinic).

NM_000030.3(AGXT):c.809A>G (p.Tyr270Cys)

Gene: AGXT (alanine--glyoxylate aminotransferase; plus strand). Cytogenetic location: 2q37.3.
Variant type: single nucleotide variant.
Coding change: c.809A>G on transcript NM_000030.3 (MANE Select); coding-DNA position 809, A replaced by G.
Protein change: p.Tyr270Cys; replaces tyrosine 270 with cysteine.
Molecular consequence: missense variant.
Genome position (GRCh38, 1-based): chr2:240,875,967, A>G. VCF-style: chr2-240875967-A-G. GRCh37 (hg19) VCF-style: chr2-241815384-A-G.
Other names: short protein forms Y270C.
Identifiers: ClinVar variation 2664134 (VCV002664134.2), dbSNP rs376364034, ClinGen allele CA2209270.